The following is an entry in ClinVar:

ClinVar aggregate classification (germline): Pathogenic. Review status: reviewed by expert panel (3 of 4 stars). 5 submissions from 5 submitters: Pathogenic (1). 4 of the submissions do not count toward it. Last evaluated 2017-12-15.

Conditions:
Hereditary cancer-predisposing syndrome. Also called: Hereditary neoplastic syndrome; Neoplastic Syndromes, Hereditary; Hereditary Cancer Syndrome; Tumor predisposition. Identifiers: Orphanet 140162, MedGen C0027672, MeSH D009386, MONDO:0015356.
Hereditary breast ovarian cancer syndrome. Also called: Hereditary breast and ovarian cancer syndrome (HBOC); Breast and ovarian cancer; Hereditary breast and ovarian cancer syndrome; BRCA1- and BRCA2-Associated Hereditary Breast and Ovarian Cancer; Hereditary breast and/or ovarian cancer syndrome; Hereditary breast and ovarian cancer. Identifiers: Orphanet 145, MedGen C0677776, MeSH D061325, MONDO:0003582. Disease mechanism: loss of function.
Breast-ovarian cancer, familial, susceptibility to, 2 (BROVCA2). Also called: BRCA2 Hereditary Breast and Ovarian Cancer. Identifiers: Orphanet 145, MedGen C2675520, MONDO:0012933, OMIM 612555. Disease mechanism: loss of function.
Familial cancer of breast. Also called: BREAST CANCER, FAMILIAL; hereditary breast carcinoma; Hereditary breast cancer. Identifiers: Orphanet 227535, MedGen C0346153, MONDO:0016419, OMIM 114480. Disease mechanism: loss of function.

Submissions (5):

Evidence-based Network for the Interpretation of Germline Mutant Alleles (ENIGMA)
Classification: Pathogenic for Breast-ovarian cancer, familial, susceptibility to, 2. Last evaluated: 2017-12-15. Review status: reviewed by expert panel. Criteria: ENIGMA BRCA1/2 Classification Criteria (2017-06-29). Collection method: curation. Allele origin: germline. Study: ENIGMA.
Comment: Variant allele predicted to encode a truncated non-functional protein.

Women's Health and Genetics/Laboratory Corporation of America, LabCorp
Classification: Pathogenic for Hereditary breast ovarian cancer syndrome. Last evaluated: 2026-03-13. Review status: criteria provided, single submitter. Criteria: LabCorp Variant Classification Summary - May 2015. Collection method: clinical testing. Allele origin: germline. Not counted in ClinVar's aggregate classification.
Comment: Variant summary: BRCA2 c.71T>A (p.Leu24X) results in a premature termination codon, predicted to cause a truncation of the encoded protein or absence of the protein due to nonsense mediated decay, which are commonly known mechanisms for disease. The variant was absent in 249982 control chromosomes. c.71T>A has been observed in individual(s) affected with Hereditary Breast And Ovarian Cancer Syndrome (Muller_2011). To our knowledge, no experimental evidence demonstrating an impact on protein function has been reported. The following publication have been ascertained in the context of this evaluation (PMID: 21939546). ClinVar contains an entry for this variant (Variation ID: 52285). Based on the evidence outlined above, the variant was classified as pathogenic.

Labcorp Genetics (formerly Invitae), Labcorp
Classification: Pathogenic for Hereditary breast ovarian cancer syndrome. Last evaluated: 2022-10-17. Review status: criteria provided, single submitter. Criteria: Invitae Variant Classification Sherloc (09022015). Collection method: clinical testing. Allele origin: germline. Not counted in ClinVar's aggregate classification.
Comment: For these reasons, this variant has been classified as Pathogenic. ClinVar contains an entry for this variant (Variation ID: 52285). This premature translational stop signal has been observed in individual(s) with a personal and family history of breast cancer (PMID: 9150172, 21939546). This variant is not present in population databases (gnomAD no frequency). This sequence change creates a premature translational stop signal (p.Leu24*) in the BRCA2 gene. It is expected to result in an absent or disrupted protein product. Loss-of-function variants in BRCA2 are known to be pathogenic (PMID: 20104584).

Color Diagnostics, LLC DBA Color Health
Classification: Pathogenic for Hereditary cancer-predisposing syndrome. Last evaluated: 2020-02-28. Review status: criteria provided, single submitter. Criteria: ACMG Guidelines, 2015. Collection method: clinical testing. Allele origin: germline. Not counted in ClinVar's aggregate classification.
Comment: This variant changes 1 nucleotide in exon 3 of the BRCA2 gene, creating a premature translation stop signal. This variant is expected to result in an absent or non-functional protein product. This variant has been observed in an individual at high-risk for breast and/or ovarian cancer (PMID: 21939546). This variant has not been identified in the general population by the Genome Aggregation Database (gnomAD). Loss of BRCA2 function is a known mechanism of disease. Based on the available evidence, this variant is classified as Pathogenic.

ClinVar Staff, National Center for Biotechnology Information (NCBI)
No classification provided. Condition: Familial cancer of breast. Review status: no classification provided. Collection method: literature only. Allele origin: germline. Affected: yes. Not counted in ClinVar's aggregate classification.

Literature cited by the submitters: PubMed 21939546 (cited by 3 submitters); PubMed 9150172 (cited by Labcorp Genetics (formerly Invitae), Labcorp); PubMed 20104584 (cited by Labcorp Genetics (formerly Invitae), Labcorp).

NM_000059.4(BRCA2):c.71T>A (p.Leu24Ter)

Gene: BRCA2 (BRCA2 DNA repair associated; plus strand). Cytogenetic location: 13q13.1.
Variant type: single nucleotide variant.
Coding change: c.71T>A on transcript NM_000059.4 (MANE Select); coding-DNA position 71, T replaced by A.
Protein change: p.Leu24Ter; replaces leucine 24 with a stop codon.
Molecular consequence: nonsense.
Genome position (GRCh38, 1-based): chr13:32,319,080, T>A. VCF-style: chr13-32319080-T-A. GRCh37 (hg19) VCF-style: chr13-32893217-T-A.
Other names: short protein forms L24*.
Identifiers: ClinVar variation 52285 (VCV000052285.16), dbSNP rs397507902, ClinGen allele CA024957.